The following is an entry in ClinVar:

NM_001320.7(CSNK2B):c.367+1G>A

Gene: CSNK2B (casein kinase 2 beta; plus strand). Cytogenetic location: 6p21.33.
Variant type: single nucleotide variant.
Coding change: c.367+1G>A on transcript NM_001320.7 (MANE Select); the canonical splice donor site of the intron after coding-DNA position 367, G replaced by A.
Molecular consequence: splice donor variant.
Genome position (GRCh38, 1-based): chr6:31,669,173, G>A. VCF-style: chr6-31669173-G-A. GRCh37 (hg19) VCF-style: chr6-31636950-G-A.
Other names: c.367+1G>A (NM_001282385.2).
Identifiers: ClinVar variation 1301884 (VCV001301884.1), dbSNP rs2151188416, ClinGen allele CA363475466.

ClinVar aggregate classification (germline): Pathogenic (1 of 4 stars; one submission).

Conditions:
Poirier-Bienvenu neurodevelopmental syndrome (POBINDS). Identifiers: Orphanet 689397, MedGen C5231482, MONDO:0032889, OMIM 618732.

Submission:

Rady Children's Institute for Genomic Medicine, Rady Children's Hospital San Diego
Classification: Pathogenic for Poirier-Bienvenu Neurodevelopmental Syndrome. Last evaluated: 2020-08-27. Review status: criteria provided, single submitter. Criteria: ACMG Guidelines, 2015. Collection method: clinical testing. Allele origin: germline. Affected: yes.
Comment: This variant affects the canonical splice donor site of intron 5 and is therefore predicted to interfere with splicing and result in loss of normal protein function through either protein truncation or nonsense-mediated mRNA decay (NMD). This variant has not been previously reported or functionally characterized in the literature to our knowledge. A different variant affecting the same splice site, c.367+2T>C, has been previously reported as a de novo change in an individual with developmental delay (PMID: 28585349). It is absent from the gnomAD population database and thus is presumed to be rare. Analysis of the parental samples was negative for the variant, indicating this variant likely occurred as a de novo event. Based on the available evidence, the c.367+1G>A variant is classified as Pathogenic.